The following is an entry in ClinVar:

NM_000038.6(APC):c.2421T>A (p.Asp807Glu)

Gene: APC (APC regulator of Wnt signaling pathway; plus strand). Cytogenetic location: 5q22.2.
Variant type: single nucleotide variant.
Coding change: c.2421T>A on transcript NM_000038.6 (MANE Select); coding-DNA position 2421, T replaced by A.
Protein change: p.Asp807Glu; replaces aspartic acid 807 with glutamic acid.
Molecular consequence: missense variant. On other transcripts: non-coding transcript variant (2).
Genome position (GRCh38, 1-based): chr5:112,838,015, T>A. VCF-style: chr5-112838015-T-A. GRCh37 (hg19) VCF-style: chr5-112173712-T-A.
Other names: c.2421T>A, p.Asp807Glu (NM_001127510.3, NM_001354895.2, NM_001407450.1); c.2367T>A, p.Asp789Glu (NM_001127511.3); c.2475T>A, p.Asp825Glu (NM_001354896.2, NM_001407447.1, NM_001407448.1 and 1 more transcripts); c.2451T>A, p.Asp817Glu (NM_001354897.2); c.2346T>A, p.Asp782Glu (NM_001354898.2); c.2337T>A, p.Asp779Glu (NM_001354899.2); c.2298T>A, p.Asp766Glu (NM_001354900.2); c.2244T>A, p.Asp748Glu (NM_001354901.2, NM_001407453.1); and 11 more; short protein forms D779E, D789E, D800E, D524E, D681E, D706E, D716E, D782E.
Identifiers: ClinVar variation 3409582 (VCV003409582.1).
Genomic context (GRCh38, chr5:112,838,015, plus strand): 5'-TAAGCAGAGACACAAGCAAAGTCTCTATGGTGATTATGTTTTTGACACCAATCGACATGA[T>A]GATAATAGGTCAGACAATTTTAATACTGGCAACATGACTGTCCTTTCACCATATTTGAAT-3'
Protein context (NP_000029.2, residues 797-817): GDYVFDTNRH[Asp807Glu]DNRSDNFNTG

ClinVar aggregate classification (germline): Uncertain significance (1 of 4 stars; one submission).

Conditions:
Hereditary cancer-predisposing syndrome. Also called: Neoplastic Syndromes, Hereditary; Tumor predisposition; Hereditary Cancer Syndrome; Hereditary neoplastic syndrome. Identifiers: Orphanet 140162, MedGen C0027672, MeSH D009386, MONDO:0015356.

gnomAD v4.1: 1 of 1,614,144 alleles (0.000062%); highest among the groups gnomAD compares: Non-Finnish European, 0.000085%; no homozygotes.

Submission:

Ambry Genetics
Classification: Uncertain significance for Hereditary cancer-predisposing syndrome. Last evaluated: 2024-07-13. Review status: criteria provided, single submitter. Criteria: Ambry Variant Classification Scheme 2023. Collection method: clinical testing. Allele origin: germline.
Comment: The p.D807E variant (also known as c.2421T>A), located in coding exon 15 of the APC gene, results from a T to A substitution at nucleotide position 2421. The aspartic acid at codon 807 is replaced by glutamic acid, an amino acid with highly similar properties. This amino acid position is conserved. In addition, in silico predictors for this gene do not accurately predict pathogenicity. Based on the available evidence, the clinical significance of this variant remains unclear.